The following is an entry in ClinVar:

ClinVar aggregate classification (germline): Uncertain significance (1 of 4 stars; one submission).

gnomAD v4.1: 1 of 1,584,000 alleles (0.000063%); highest among the groups gnomAD compares: Admixed American, 0.0018%; no homozygotes.

Submission:

GeneDx
Classification: Uncertain significance. Last evaluated: 2023-12-12. Review status: criteria provided, single submitter. Criteria: GeneDx Variant Classification Process June 2021. Collection method: clinical testing. Allele origin: germline. Affected: yes.
Comment: Not observed at significant frequency in large population cohorts (gnomAD); In silico analysis supports that this variant does not alter splicing; Has not been previously published as pathogenic or benign to our knowledge

NM_001364905.1(LRBA):c.4728T>C (p.Ser1576=)

Gene: LRBA (LPS responsive beige-like anchor protein; minus strand). Cytogenetic location: 4q31.3.
Variant type: single nucleotide variant.
Coding change: c.4728T>C on transcript NM_001364905.1 (MANE Select); coding-DNA position 4728, T replaced by C.
Protein change: p.Ser1576=; no amino-acid change (serine 1576 retained).
Molecular consequence: synonymous variant.
Genome position (GRCh38, 1-based): chr4:150,831,818, A>G on the plus strand (T>C on the coding strand, the complement: LRBA is on the minus strand). VCF-style: chr4-150831818-A-G. GRCh37 (hg19) VCF-style: chr4-151752970-A-G.
Other names: c.4728T>C, p.Ser1576= (NM_001199282.3, NM_001367550.1, NM_006726.5).
Identifiers: ClinVar variation 3365473 (VCV003365473.1).
Genomic context (GRCh38, chr4:150,831,818, plus strand): 5'-CAAAAGTAAGTAACATTTATTTGAACTTTGGTACAAAGGAATAGAAAATGCAAACTTACC[A>G]GAGAGTGATACATTCTCATTTTCACTGCCAGTTTCTGTACATGACTGGCTATGCCTTTCA-3'
Protein context (NP_001351834.1, residues 1566-1586): TGSENENVSL[Ser1576=]EITPAAFSTL